The following is an entry in ClinVar:

NM_015272.5(RPGRIP1L):c.1160T>A (p.Val387Glu)

Gene: RPGRIP1L (RPGRIP1 like; minus strand). Cytogenetic location: 16q12.2.
Variant type: single nucleotide variant.
Coding change: c.1160T>A on transcript NM_015272.5 (MANE Select); coding-DNA position 1160, T replaced by A.
Protein change: p.Val387Glu; replaces valine 387 with glutamic acid.
Molecular consequence: missense variant.
Genome position (GRCh38, 1-based): chr16:53,664,953, A>T on the plus strand (T>A on the coding strand, the complement: RPGRIP1L is on the minus strand). VCF-style: chr16-53664953-A-T. GRCh37 (hg19) VCF-style: chr16-53698865-A-T.
Other names: c.1160T>A, p.Val387Glu (NM_001127897.4, NM_001308334.3, NM_001330538.2); c.1160T>A (NM_015272.4); short protein forms V387E.
Identifiers: ClinVar variation 3364622 (VCV003364622.2).
Genomic context (GRCh38, chr16:53,664,953, plus strand): 5'-AGGATTTCAGTTTTGTCTGTTAAGTCAGACTTCAAGGCAGTCTCGAGCTGAGCAATCTGC[A>T]CTTTCAGCTGTTGCTCCTTTAACTTCCATTGCTCTTCATGGGCAGCACTGAAGGCACTGC-3'
Protein context (NP_056087.2, residues 377-397): QWKLKEQQLK[Val387Glu]QIAQLETALK

ClinVar aggregate classification (germline): Uncertain significance. Review status: criteria provided, multiple submitters, no conflicts (2 of 4 stars). 2 submissions from 2 submitters: Uncertain significance (2). Last evaluated 2025-08-06.

Conditions:
RPGRIP1L-related disorder. Also called: RPGRIP1L-related disorders; RPGRIP1L-related condition. Identifiers: MedGen CN239416.

gnomAD v4.1: 2 of 1,613,422 alleles (0.00012%); highest among the groups gnomAD compares: East Asian, 0.0022%; no homozygotes.

Submissions (2):

PreventionGenetics, part of Exact Sciences
Classification: Uncertain significance for RPGRIP1L-related condition. Last evaluated: 2025-08-06. Review status: criteria provided, single submitter. Criteria: ACMG Guidelines, 2015. Collection method: clinical testing. Allele origin: germline.
Comment: The RPGRIP1L c.1160T>A variant is predicted to result in the amino acid substitution p.Val387Glu. To our knowledge, this variant has not been reported in the literature. This variant is reported in 0.0054% of alleles in individuals of East Asian descent in gnomAD. At this time, the clinical significance of this variant is uncertain due to the absence of conclusive functional and genetic evidence.

GeneDx
Classification: Uncertain significance. Last evaluated: 2023-11-22. Review status: criteria provided, single submitter. Criteria: GeneDx Variant Classification Process June 2021. Collection method: clinical testing. Allele origin: germline. Affected: yes.
Comment: Not observed at significant frequency in large population cohorts (gnomAD); In silico analysis supports that this missense variant does not alter protein structure/function; Has not been previously published as pathogenic or benign to our knowledge